The following is an entry in ClinVar:

ClinVar aggregate classification (germline): Uncertain significance (1 of 4 stars; one submission).

gnomAD v4.1: 47 of 1,611,674 alleles (0.0029%); highest among the groups gnomAD compares: Non-Finnish European, 0.0039%; no homozygotes.

Submission:

Mayo Clinic Laboratories, Mayo Clinic
Classification: Uncertain significance. Last evaluated: 2024-05-28. Review status: criteria provided, single submitter. Criteria: ACMG Guidelines, 2015. Collection method: clinical testing. Allele origin: germline. Observed: 1 variant allele.
Comment: PP2

NM_031483.7(ITCH):c.1906T>G (p.Leu636Val)

Gene: ITCH (itchy E3 ubiquitin protein ligase; plus strand). Cytogenetic location: 20q11.22.
Variant type: single nucleotide variant.
Coding change: c.1906T>G on transcript NM_031483.7 (MANE Select); coding-DNA position 1906, T replaced by G.
Protein change: p.Leu636Val; replaces leucine 636 with valine.
Molecular consequence: missense variant.
Genome position (GRCh38, 1-based): chr20:34,480,686, T>G. VCF-style: chr20-34480686-T-G. GRCh37 (hg19) VCF-style: chr20-33068491-T-G.
Other names: p.Leu636Val; c.2029T>G, p.Leu677Val (NM_001257137.3, NM_001324197.2); c.1576T>G, p.Leu526Val (NM_001257138.3); c.1906T>G, p.Leu636Val (NM_001324198.2); short protein forms L526V, L636V, L677V.
Identifiers: ClinVar variation 3380661 (VCV003380661.1).
Genomic context (GRCh38, chr20:34,480,686, plus strand): 5'-ACGGGTTTTTCTTTACCATTCTATAAGCGTATCTTGAACAAACCAGTTGGACTCAAGGAT[T>G]TAGAATCTATTGATCCAGAATTTTACAATTCTCTCATCTGGGTTAAGTAAGTTTCTTTTT-3'
Protein context (NP_113671.3, residues 626-646): ILNKPVGLKD[Leu636Val]ESIDPEFYNS